The following is an entry in ClinVar:

ClinVar aggregate classification (germline): Uncertain significance. Review status: criteria provided, multiple submitters, no conflicts (2 of 4 stars). 2 submissions from 2 submitters: Uncertain significance (2). Last evaluated 2025-10-06.

Conditions:
JAG1-related disorder. Also called: JAG1-related disorders; JAG1-related condition.
Alagille syndrome due to a JAG1 point mutation. Also called: Alagille Syndrome 1; JAG1-Related Alagille Syndrome; HEPATIC DUCTULAR HYPOPLASIA, SYNDROMATIC. Identifiers: Orphanet 261619, Orphanet 52, MedGen C1956125, MONDO:0016862, OMIM 118450.

Submissions (2):

PreventionGenetics, part of Exact Sciences
Classification: Uncertain significance for JAG1-related condition. Last evaluated: 2025-10-06. Review status: criteria provided, single submitter. Criteria: ACMG Guidelines, 2015. Collection method: clinical testing. Allele origin: germline.
Comment: The JAG1 c.3335C>G variant is predicted to result in the amino acid substitution p.Thr1112Ser. To our knowledge, this variant has not been reported in the literature or in a large population database (gnomAD), indicating this variant is rare. At this time, the clinical significance of this variant is uncertain due to the absence of conclusive functional and genetic evidence.

Labcorp Genetics (formerly Invitae), Labcorp
Classification: Uncertain significance for Alagille syndrome due to a JAG1 point mutation. Last evaluated: 2024-08-11. Review status: criteria provided, single submitter. Criteria: Invitae Variant Classification Sherloc (09022015). Collection method: clinical testing. Allele origin: germline.
Comment: This sequence change replaces threonine, which is neutral and polar, with serine, which is neutral and polar, at codon 1112 of the JAG1 protein (p.Thr1112Ser). This variant is not present in population databases (gnomAD no frequency). This variant has not been reported in the literature in individuals affected with JAG1-related conditions. Advanced modeling of protein sequence and biophysical properties (such as structural, functional, and spatial information, amino acid conservation, physicochemical variation, residue mobility, and thermodynamic stability) performed at Invitae indicates that this missense variant is not expected to disrupt JAG1 protein function with a negative predictive value of 95%. In summary, the available evidence is currently insufficient to determine the role of this variant in disease. Therefore, it has been classified as a Variant of Uncertain Significance.

NM_000214.3(JAG1):c.3335C>G (p.Thr1112Ser)

Gene: JAG1 (jagged canonical Notch ligand 1; minus strand). Cytogenetic location: 20p12.2.
Variant type: single nucleotide variant.
Coding change: c.3335C>G on transcript NM_000214.3 (MANE Select); coding-DNA position 3335, C replaced by G.
Protein change: p.Thr1112Ser; replaces threonine 1112 with serine.
Molecular consequence: missense variant.
Genome position (GRCh38, 1-based): chr20:10,639,820, G>C on the plus strand (C>G on the coding strand, the complement: JAG1 is on the minus strand). VCF-style: chr20-10639820-G-C. GRCh37 (hg19) VCF-style: chr20-10620468-G-C.
Other names: c.3335C>G (NM_000214.2); short protein forms T1112S.
Identifiers: ClinVar variation 3605529 (VCV003605529.3).
Genomic context (GRCh38, chr20:10,639,820, plus strand): 5'-TTGGCCCCATGTTTCTCAATGGGGTTTTTGATCTGGTTCAGCTGCTCCCGCACGTTGTTG[G>C]TGGTGTTGTCCTCAGAGGCTGAGTGTGTGTGGCTGCCCGGCTTCCGCCGCTTCCGCAGGC-3'
Protein context (NP_000205.1, residues 1102-1122): HTHSASEDNT[Thr1112Ser]NNVREQLNQI